The following is an entry in ClinVar:

NM_000135.4(FANCA):c.1194del (p.Cys399fs)

Gene: FANCA (FA complementation group A; minus strand). Cytogenetic location: 16q24.3.
Variant type: Deletion.
Coding change: c.1194del on transcript NM_000135.4 (MANE Select); coding-DNA position 1194, one base deleted (C; older notation c.1194delC).
Protein change: p.Cys399fs; shifts the reading frame from cysteine 399.
Molecular consequence: frameshift variant.
Genome position (GRCh38, 1-based): chr16:89,791,958, G deleted on the plus strand (C on the coding strand, the reverse complement: FANCA is on the minus strand). VCF-style (leftmost placement, unchanged base first): chr16-89791957-AG-A. GRCh37 (hg19) VCF-style: chr16-89858365-AG-A.
Other names: c.1194del, p.Cys399fs (NM_001286167.3); short protein forms C399fs.
Identifiers: ClinVar variation 949217 (VCV000949217.10), dbSNP rs2040090995, ClinGen allele CA1139664963.

ClinVar aggregate classification (germline): Pathogenic/Likely pathogenic. Review status: criteria provided, multiple submitters, no conflicts (2 of 4 stars). 3 submissions from 3 submitters: Pathogenic (2); Likely pathogenic (1). Last evaluated 2025-07-27.

Conditions:
Fanconi anemia (FA). Also called: Fanconi's anemia. Identifiers: Orphanet 84, MedGen C0015625, MeSH D005199, MONDO:0019391.
Fanconi anemia complementation group A (FANCA). Also called: Fanconi anemia, group A; FANCA-Related Fanconi Anemia. Identifiers: Orphanet 84, MedGen C3469521, MONDO:0009215, OMIM 227650.

Submissions (3):

Labcorp Genetics (formerly Invitae), Labcorp
Classification: Pathogenic for Fanconi anemia. Last evaluated: 2025-07-27. Review status: criteria provided, single submitter. Criteria: Invitae Variant Classification Sherloc (09022015). Collection method: clinical testing. Allele origin: germline.
Comment: This sequence change creates a premature translational stop signal (p.Cys399Alafs*16) in the FANCA gene. It is expected to result in an absent or disrupted protein product. Loss-of-function variants in FANCA are known to be pathogenic (PMID: 19367192). This variant is not present in population databases (gnomAD no frequency). This variant has not been reported in the literature in individuals affected with FANCA-related conditions. ClinVar contains an entry for this variant (Variation ID: 949217). For these reasons, this variant has been classified as Pathogenic.

Baylor Genetics
Classification: Likely pathogenic for Fanconi anemia complementation group A. Last evaluated: 2024-03-26. Review status: criteria provided, single submitter. Criteria: ACMG Guidelines, 2015. Collection method: clinical testing. Allele origin: unknown.

GeneDx
Classification: Pathogenic. Last evaluated: 2023-02-27. Review status: criteria provided, single submitter. Criteria: GeneDx Variant Classification Process June 2021. Collection method: clinical testing. Allele origin: germline. Affected: yes.
Comment: Frameshift variant predicted to result in protein truncation or nonsense mediated decay in a gene for which loss-of-function is a known mechanism of disease; Not observed at significant frequency in large population cohorts (gnomAD); Has not been previously published as pathogenic or benign to our knowledge

Literature cited by the submitters: PubMed 19367192 (cited by Labcorp Genetics (formerly Invitae), Labcorp).